The following is an entry in ClinVar:

ClinVar aggregate classification (germline): Uncertain significance. Review status: criteria provided, multiple submitters, no conflicts (2 of 4 stars). 5 submissions from 5 submitters: Uncertain significance (4). 1 of the submissions does not count toward it. Last evaluated 2026-06-26.

Conditions:
Retinitis pigmentosa 71 (RP71). Identifiers: Orphanet 791, MedGen C4225342, MONDO:0014618, OMIM 616394.
Short-rib thoracic dysplasia 10 with or without polydactyly (SRTD10). Identifiers: Orphanet 474, MedGen C3810175, MONDO:0014284, OMIM 615630.
Bardet-Biedl syndrome 20. Identifiers: MedGen C4310707, MONDO:0023670, OMIM 619471, MONDO:0014926.
IFT172-related disorder. Also called: IFT172-related condition; IFT172-related disorders.
Bardet-Biedl syndrome 1 (BBS1). Identifiers: MedGen C2936862, MONDO:0008854, OMIM 209900. Disease mechanism: loss of function.

Allele frequency attached by ClinVar (database versions not stated): gnomAD 0.00001 and 0.00003; TOPMed 0.00001; gnomAD exomes 0.00003 and 0.00004; ExAC 0.00005.

Submissions (5):

PreventionGenetics, part of Exact Sciences
Classification: Uncertain significance for IFT172-related condition. Last evaluated: 2026-06-26. Review status: criteria provided, single submitter. Criteria: ACMG Guidelines, 2015. Collection method: clinical testing. Allele origin: germline.
Comment: The IFT172 c.1715G>A variant is predicted to result in the amino acid substitution p.Arg572Gln. This variant has been reported in the heterozygous state in one individual with extreme obesity BMI=58.77 (Day et al. 2021. PubMed ID: 33616283, Table 1 and Table S1). However, no additional studies were performed to help assess the pathogenicity of this variant. Additionally, this variant was reported in an individual who presented with Bardet-Biedl syndrome; however, this individual also harbored variants in BBS10 (Khan et al. 2023. PubMed ID: 37293956). At this time, the clinical significance of this variant is uncertain due to the absence of conclusive functional and genetic evidence.

Blueprint Genetics
Classification: Uncertain significance. Last evaluated: 2023-04-26. Review status: criteria provided, single submitter. Criteria: ACMG Guidelines, 2015. Collection method: clinical testing. Allele origin: germline.

Labcorp Genetics (formerly Invitae), Labcorp
Classification: Uncertain significance for Retinitis pigmentosa 71; Short-rib thoracic dysplasia 10 with or without polydactyly. Last evaluated: 2022-10-17. Review status: criteria provided, single submitter. Criteria: Invitae Variant Classification Sherloc (09022015). Collection method: clinical testing. Allele origin: germline.
Comment: This sequence change replaces arginine, which is basic and polar, with glutamine, which is neutral and polar, at codon 572 of the IFT172 protein (p.Arg572Gln). This variant is present in population databases (rs764302265, gnomAD 0.03%). This variant has not been reported in the literature in individuals affected with IFT172-related conditions. ClinVar contains an entry for this variant (Variation ID: 1023850). Advanced modeling of protein sequence and biophysical properties (such as structural, functional, and spatial information, amino acid conservation, physicochemical variation, residue mobility, and thermodynamic stability) has been performed at Invitae for this missense variant, however the output from this modeling did not meet the statistical confidence thresholds required to predict the impact of this variant on IFT172 protein function. In summary, the available evidence is currently insufficient to determine the role of this variant in disease. Therefore, it has been classified as a Variant of Uncertain Significance.

Fulgent Genetics
Classification: Uncertain significance for Short-rib thoracic dysplasia 10 with or without polydactyly; Retinitis pigmentosa 71; Bardet-Biedl syndrome 20. Last evaluated: 2022-02-08. Review status: criteria provided, single submitter. Criteria: ACMG Guidelines, 2015. Collection method: clinical testing. Allele origin: unknown.

Advanced Center For Translational And Genetic Medicine, Ann & Robert H. Lurie Children's Hospital Of Chicago
Classification: Uncertain significance for Bardet-Biedl syndrome 1. Last evaluated: 2023-05-10. Review status: no assertion criteria provided. Collection method: research. Allele origin: unknown. Affected: yes. Observed: 1 heterozygote. Not counted in ClinVar's aggregate classification.

NM_015662.3(IFT172):c.1715G>A (p.Arg572Gln)

Gene: IFT172 (intraflagellar transport 172; minus strand). Cytogenetic location: 2p23.3.
Variant type: single nucleotide variant.
Coding change: c.1715G>A on transcript NM_015662.3 (MANE Select); coding-DNA position 1715, G replaced by A.
Protein change: p.Arg572Gln; replaces arginine 572 with glutamine.
Molecular consequence: missense variant.
Genome position (GRCh38, 1-based): chr2:27,465,860, C>T on the plus strand (G>A on the coding strand, the complement: IFT172 is on the minus strand). VCF-style: chr2-27465860-C-T. GRCh37 (hg19) VCF-style: chr2-27688727-C-T.
Other names: c.1715G>A (NM_015662.2); short protein forms R572Q.
Identifiers: ClinVar variation 1023850 (VCV001023850.9), dbSNP rs764302265, ClinGen allele CA1580546.